The following is an entry in ClinVar:

ClinVar aggregate classification (germline): Likely pathogenic (1 of 4 stars; one submission).

Conditions:
Dilated cardiomyopathy 1G (CMD1G). Identifiers: Orphanet 154, MedGen C1858763, MONDO:0011400, OMIM 604145.
Autosomal recessive limb-girdle muscular dystrophy type 2J (LGMDR10). Also called: Limb-girdle muscular dystrophy, type 2J; MUSCULAR DYSTROPHY, LIMB-GIRDLE, AUTOSOMAL RECESSIVE 10. Identifiers: Orphanet 140922, MedGen C1837342, MONDO:0012127, OMIM 608807.

Submission:

Labcorp Genetics (formerly Invitae), Labcorp
Classification: Likely pathogenic for Dilated cardiomyopathy 1G; Autosomal recessive limb-girdle muscular dystrophy type 2J. Last evaluated: 2024-11-04. Review status: criteria provided, single submitter. Criteria: Invitae Variant Classification Sherloc (09022015). Collection method: clinical testing. Allele origin: germline.
Comment: This sequence change creates a premature translational stop signal (p.Gln1513*) in the TTN gene. While this is not anticipated to result in nonsense mediated decay, it is expected to create a truncated TTN protein. This variant is not present in population databases (gnomAD no frequency). This variant has not been reported in the literature in individuals affected with TTN-related conditions. ClinVar contains an entry for this variant (Variation ID: 1018433). Algorithms developed to predict the effect of sequence changes on RNA splicing suggest that this variant may disrupt the consensus splice site. This variant is located in the Z band of TTN (PMID: 25589632). Truncating variants in this region have been reported in individuals affected with autosomal recessive centronuclear myopathy (PMID: 33449170, internal data). Truncating variants in this region have also been identified in individuals affected with autosomal dominant dilated cardiomyopathy and/or cardio-related conditions (PMID: 27869827, 32964742, internal data). In summary, the currently available evidence indicates that the variant is pathogenic, but additional data are needed to prove that conclusively. Therefore, this variant has been classified as Likely Pathogenic.

Literature cited by the submitters: PubMed 25589632; PubMed 33449170; PubMed 27869827; PubMed 32964742.

NM_001267550.2(TTN):c.4537C>T (p.Gln1513Ter)

Genes: TTN (titin; minus strand), LOC101927055 (uncharacterized LOC101927055; plus strand). Cytogenetic location: 2q31.2.
Variant type: single nucleotide variant.
Coding change: c.4537C>T on transcript NM_001267550.2 (MANE Select); coding-DNA position 4537, C replaced by T.
Protein change: p.Gln1513Ter; replaces glutamine 1513 with a stop codon.
Molecular consequence: nonsense. On other transcripts: non-coding transcript variant (1).
Genome position (GRCh38, 1-based): chr2:178,777,528, G>A on the plus strand (C>T on the coding strand, the complement: TTN is on the minus strand). VCF-style: chr2-178777528-G-A. GRCh37 (hg19) VCF-style: chr2-179642255-G-A.
Other names: c.4537C>T, p.Gln1513Ter (NM_001256850.1, NM_133378.4, NM_133379.5); c.4399C>T, p.Gln1467Ter (NM_003319.4, NM_133432.3, NM_133437.4); short protein forms Q1467*, Q1513*.
Identifiers: ClinVar variation 1018433 (VCV001018433.9), dbSNP rs2092360420, ClinGen allele CA349467044.